The following is an entry in ClinVar:

NM_018297.4(NGLY1):c.901C>G (p.Leu301Val)

Gene: NGLY1 (N-glycanase 1; minus strand). Cytogenetic location: 3p24.2.
Variant type: single nucleotide variant.
Coding change: c.901C>G on transcript NM_018297.4 (MANE Select); coding-DNA position 901, C replaced by G.
Protein change: p.Leu301Val; replaces leucine 301 with valine.
Molecular consequence: missense variant.
Genome position (GRCh38, 1-based): chr3:25,737,436, G>C on the plus strand (C>G on the coding strand, the complement: NGLY1 is on the minus strand). VCF-style: chr3-25737436-G-C. GRCh37 (hg19) VCF-style: chr3-25778927-G-C.
Other names: c.901C>G, p.Leu301Val (NM_001145293.2, NM_001145295.2); c.775C>G, p.Leu259Val (NM_001145294.2); short protein forms L259V, L301V.
Identifiers: ClinVar variation 1062344 (VCV001062344.5), dbSNP rs761507528, ClinGen allele CA351902229.

ClinVar aggregate classification (germline): Uncertain significance (1 of 4 stars; one submission).

Conditions:
Congenital disorder of deglycosylation (CDDG). Identifiers: MedGen C3808991, MONDO:0031376.

Submission:

Labcorp Genetics (formerly Invitae), Labcorp
Classification: Uncertain significance for Congenital disorder of deglycosylation. Last evaluated: 2021-05-07. Review status: criteria provided, single submitter. Criteria: Invitae Variant Classification Sherloc (09022015). Collection method: clinical testing. Allele origin: germline.
Comment: This variant is not present in population databases (ExAC no frequency). This variant has not been reported in the literature in individuals with NGLY1-related conditions. Algorithms developed to predict the effect of missense changes on protein structure and function (SIFT, PolyPhen-2, Align-GVGD) all suggest that this variant is likely to be disruptive, but these predictions have not been confirmed by published functional studies and their clinical significance is uncertain. In summary, the available evidence is currently insufficient to determine the role of this variant in disease. Therefore, it has been classified as a Variant of Uncertain Significance. This sequence change replaces leucine with valine at codon 301 of the NGLY1 protein (p.Leu301Val). The leucine residue is highly conserved and there is a small physicochemical difference between leucine and valine.